The following is an entry in ClinVar:

NM_006231.4(POLE):c.353C>T (p.Ser118Phe)

Gene: POLE (DNA polymerase epsilon, catalytic subunit; minus strand). Cytogenetic location: 12q24.33.
Variant type: single nucleotide variant.
Coding change: c.353C>T on transcript NM_006231.4 (MANE Select); coding-DNA position 353, C replaced by T.
Protein change: p.Ser118Phe; replaces serine 118 with phenylalanine.
Molecular consequence: missense variant.
Genome position (GRCh38, 1-based): chr12:132,680,024, G>A on the plus strand (C>T on the coding strand, the complement: POLE is on the minus strand). VCF-style: chr12-132680024-G-A. GRCh37 (hg19) VCF-style: chr12-133256610-G-A.
Other names: short protein forms S118F.
Identifiers: ClinVar variation 2842278 (VCV002842278.3), dbSNP rs1477585521, ClinGen allele CA387368251.

ClinVar aggregate classification (germline): Uncertain significance (1 of 4 stars; one submission).

Submission:

Labcorp Genetics (formerly Invitae), Labcorp
Classification: Uncertain significance. Last evaluated: 2023-03-02. Review status: criteria provided, single submitter. Criteria: Invitae Variant Classification Sherloc (09022015). Collection method: clinical testing. Allele origin: germline.
Comment: This variant is not present in population databases (gnomAD no frequency). This sequence change replaces serine, which is neutral and polar, with phenylalanine, which is neutral and non-polar, at codon 118 of the POLE protein (p.Ser118Phe). This variant has not been reported in the literature in individuals affected with POLE-related conditions. Advanced modeling of protein sequence and biophysical properties (such as structural, functional, and spatial information, amino acid conservation, physicochemical variation, residue mobility, and thermodynamic stability) performed at Invitae indicates that this missense variant is not expected to disrupt POLE protein function. Algorithms developed to predict the effect of sequence changes on RNA splicing suggest that this variant may create or strengthen a splice site. In summary, the available evidence is currently insufficient to determine the role of this variant in disease. Therefore, it has been classified as a Variant of Uncertain Significance.